The following is an entry in ClinVar:

NM_030912.3(TRIM8):c.1301C>T (p.Pro434Leu)

Gene: TRIM8 (tripartite motif containing 8; plus strand). Cytogenetic location: 10q24.32.
Variant type: single nucleotide variant.
Coding change: c.1301C>T on transcript NM_030912.3 (MANE Select); coding-DNA position 1301, C replaced by T.
Protein change: p.Pro434Leu; replaces proline 434 with leucine.
Molecular consequence: missense variant. On other transcripts: non-coding transcript variant (1).
Genome position (GRCh38, 1-based): chr10:102,656,999, C>T. VCF-style: chr10-102656999-C-T. GRCh37 (hg19) VCF-style: chr10-104416756-C-T.
Other names: c.1205C>T, p.Pro402Leu (NM_001345950.1); short protein forms P434L, P402L.
Identifiers: ClinVar variation 2777887 (VCV002777887.3), dbSNP rs2064031284, ClinGen allele CA377932014.

ClinVar aggregate classification (germline): Uncertain significance (1 of 4 stars; one submission).

Allele frequency attached by ClinVar (database versions not stated): gnomAD exomes below 0.00001.

Submission:

Labcorp Genetics (formerly Invitae), Labcorp
Classification: Uncertain significance. Last evaluated: 2023-05-25. Review status: criteria provided, single submitter. Criteria: Invitae Variant Classification Sherloc (09022015). Collection method: clinical testing. Allele origin: germline.
Comment: In summary, the available evidence is currently insufficient to determine the role of this variant in disease. Therefore, it has been classified as a Variant of Uncertain Significance. An algorithm developed to predict the effect of missense changes on protein structure and function (PolyPhen-2) suggests that this variant is likely to be tolerated. This variant has not been reported in the literature in individuals affected with TRIM8-related conditions. This variant is not present in population databases (gnomAD no frequency). This sequence change replaces proline, which is neutral and non-polar, with leucine, which is neutral and non-polar, at codon 434 of the TRIM8 protein (p.Pro434Leu).